The following is an entry in ClinVar:

ClinVar aggregate classification (germline): Pathogenic (1 of 4 stars; one submission).

Submission:

Labcorp Genetics (formerly Invitae), Labcorp
Classification: Pathogenic. Last evaluated: 2022-06-07. Review status: criteria provided, single submitter. Criteria: Invitae Variant Classification Sherloc (09022015). Collection method: clinical testing. Allele origin: germline.
Comment: This variant is not present in population databases (gnomAD no frequency). This sequence change creates a premature translational stop signal (p.Thr256Asnfs*8) in the PHEX gene. It is expected to result in an absent or disrupted protein product. Loss-of-function variants in PHEX are known to be pathogenic (PMID: 9097956, 9106524, 19219621). This variant has not been reported in the literature in individuals affected with PHEX-related conditions. For these reasons, this variant has been classified as Pathogenic.

Literature cited by the submitters: PubMed 9097956; PubMed 9106524; PubMed 19219621.

NM_000444.6(PHEX):c.766dup (p.Thr256fs)

Gene: PHEX (phosphate regulating endopeptidase X-linked; plus strand). Cytogenetic location: Xp22.11.
Variant type: Duplication.
Coding change: c.766dup on transcript NM_000444.6 (MANE Select); coding-DNA position 766, one base duplicated (A; older notation c.766dupA).
Protein change: p.Thr256fs; shifts the reading frame from threonine 256.
Molecular consequence: frameshift variant.
Genome position (GRCh38, 1-based): chrX:22,094,016, A duplicated. VCF-style (leftmost placement, unchanged base first): chrX-22094015-T-TA. GRCh37 (hg19) VCF-style: chrX-22112133-T-TA.
Other names: c.766dup, p.Thr256fs (NM_001282754.2); short protein forms T256fs.
Identifiers: ClinVar variation 2000512 (VCV002000512.4), dbSNP rs2519772086, ClinGen allele CA2580100479.